The following is an entry in ClinVar:

ClinVar aggregate classification (germline): Uncertain significance (1 of 4 stars; one submission).

Allele frequency attached by ClinVar (database versions not stated): gnomAD exomes below 0.00001.
gnomAD v4.1: 3 of 1,614,172 alleles (0.00019%); highest among the groups gnomAD compares: Non-Finnish European, 0.00025%; no homozygotes.

Submission:

GeneDx
Classification: Uncertain significance. Last evaluated: 2023-04-19. Review status: criteria provided, single submitter. Criteria: GeneDx Variant Classification Process June 2021. Collection method: clinical testing. Allele origin: germline. Affected: yes.
Comment: Has not been previously published as pathogenic or benign to our knowledge; Not observed at significant frequency in large population cohorts (gnomAD); In silico analysis supports that this missense variant does not alter protein structure/function

NM_006514.4(SCN10A):c.5407A>C (p.Ile1803Leu)

Gene: SCN10A (sodium voltage-gated channel alpha subunit 10; minus strand). Cytogenetic location: 3p22.2.
Variant type: single nucleotide variant.
Coding change: c.5407A>C on transcript NM_006514.4 (MANE Select); coding-DNA position 5407, A replaced by C.
Protein change: p.Ile1803Leu; replaces isoleucine 1803 with leucine.
Molecular consequence: missense variant.
Genome position (GRCh38, 1-based): chr3:38,697,813, T>G on the plus strand (A>C on the coding strand, the complement: SCN10A is on the minus strand). VCF-style: chr3-38697813-T-G. GRCh37 (hg19) VCF-style: chr3-38739304-T-G.
Other names: c.5404A>C, p.Ile1802Leu (NM_001293306.2); c.5113A>C, p.Ile1705Leu (NM_001293307.2); short protein forms I1705L, I1802L, I1803L.
Identifiers: ClinVar variation 2662628 (VCV002662628.1), dbSNP rs2470550954, ClinGen allele CA352153602.